The following is an entry in ClinVar:

NM_004385.5(VCAN):c.8968G>A (p.Val2990Met)

Genes: VCAN (versican; plus strand), VCAN-AS1 (VCAN antisense RNA 1; minus strand). Cytogenetic location: 5q14.3.
Variant type: single nucleotide variant.
Coding change: c.8968G>A on transcript NM_004385.5 (MANE Select); coding-DNA position 8968, G replaced by A.
Protein change: p.Val2990Met; replaces valine 2990 with methionine.
Molecular consequence: missense variant. On other transcripts: intron variant (2).
Genome position (GRCh38, 1-based): chr5:83,541,971, G>A. VCF-style: chr5-83541971-G-A. GRCh37 (hg19) VCF-style: chr5-82837790-G-A.
Other names: c.6007G>A, p.Val2003Met (NM_001164097.2); c.4004-3566G>A (NM_001164098.2); c.1043-3566G>A (NM_001126336.3); c.8968G>A (NM_004385.4); short protein forms V2990M, V2003M.
Identifiers: ClinVar variation 1360636 (VCV001360636.7), dbSNP rs755522841, ClinGen allele CA3333884.

ClinVar aggregate classification (germline): Uncertain significance. Review status: criteria provided, multiple submitters, no conflicts (2 of 4 stars). 2 submissions from 2 submitters: Uncertain significance (2). Last evaluated 2025-08-01.

Conditions:
Inborn genetic diseases. Identifiers: MedGen C0950123, MeSH D030342.

Allele frequency attached by ClinVar (database versions not stated): gnomAD 0.00001; TOPMed 0.00001.
gnomAD v4.1: 4 of 1,613,776 alleles (0.00025%); highest among the groups gnomAD compares: African/African-American, 0.004%; no homozygotes.

Submissions (2):

Ambry Genetics
Classification: Uncertain significance for Inborn genetic diseases. Last evaluated: 2025-08-01. Review status: criteria provided, single submitter. Criteria: Ambry Variant Classification Scheme 2023. Collection method: clinical testing. Allele origin: germline.

Labcorp Genetics (formerly Invitae), Labcorp
Classification: Uncertain significance. Last evaluated: 2022-07-06. Review status: criteria provided, single submitter. Criteria: Invitae Variant Classification Sherloc (09022015). Collection method: clinical testing. Allele origin: germline.
Comment: This variant has not been reported in the literature in individuals affected with VCAN-related conditions. In summary, the available evidence is currently insufficient to determine the role of this variant in disease. Therefore, it has been classified as a Variant of Uncertain Significance. Algorithms developed to predict the effect of missense changes on protein structure and function output the following: SIFT: "Tolerated"; PolyPhen-2: "Benign"; Align-GVGD: "Class C0". The methionine amino acid residue is found in multiple mammalian species, which suggests that this missense change does not adversely affect protein function. ClinVar contains an entry for this variant (Variation ID: 1360636). This variant is present in population databases (rs755522841, gnomAD 0.007%). This sequence change replaces valine, which is neutral and non-polar, with methionine, which is neutral and non-polar, at codon 2990 of the VCAN protein (p.Val2990Met).